The following is an entry in ClinVar:

ClinVar aggregate classification (germline): Uncertain significance (1 of 4 stars; one submission).

Conditions:
RASopathy. Also called: Noonan spectrum disorder; rasopathies. Identifiers: Orphanet 536391, MedGen C5555857, MONDO:0021060.

Submission:

Labcorp Genetics (formerly Invitae), Labcorp
Classification: Uncertain significance for RASopathy. Last evaluated: 2026-01-03. Review status: criteria provided, single submitter. Criteria: Invitae Variant Classification Sherloc (09022015). Collection method: clinical testing. Allele origin: germline.
Comment: This sequence change creates a premature translational stop signal (p.Glu31*) in the MAP2K2 gene. It is expected to result in an absent or disrupted protein product. However, the current clinical and genetic evidence is not sufficient to establish whether loss-of-function variants in MAP2K2 cause disease. This variant is not present in population databases (gnomAD no frequency). This variant has not been reported in the literature in individuals affected with MAP2K2-related conditions. In summary, the available evidence is currently insufficient to determine the role of this variant in disease. Therefore, it has been classified as a Variant of Uncertain Significance.

NM_030662.4(MAP2K2):c.91G>T (p.Glu31Ter)

Genes: MAP2K2 (mitogen-activated protein kinase kinase 2; minus strand), LOC130063193 (ATAC-STARR-seq lymphoblastoid silent region 9881; plus strand). Cytogenetic location: 19p13.3.
Variant type: single nucleotide variant.
Coding change: c.91G>T on transcript NM_030662.4 (MANE Select); coding-DNA position 91, G replaced by T.
Protein change: p.Glu31Ter; replaces glutamic acid 31 with a stop codon.
Molecular consequence: nonsense.
Genome position (GRCh38, 1-based): chr19:4,123,785, C>A on the plus strand (G>T on the coding strand, the complement: MAP2K2 is on the minus strand). VCF-style: chr19-4123785-C-A. GRCh37 (hg19) VCF-style: chr19-4123782-C-A.
Other names: c.91G>T, p.Glu31Ter (NM_001440688.1); short protein forms E31*.
Identifiers: ClinVar variation 4744648 (VCV004744648.1).